The following is an entry in ClinVar:

NM_206933.4(USH2A):c.10126T>G (p.Tyr3376Asp)

Gene: USH2A (usherin; minus strand). Cytogenetic location: 1q41.
Variant type: single nucleotide variant.
Coding change: c.10126T>G on transcript NM_206933.4 (MANE Select); coding-DNA position 10126, T replaced by G.
Protein change: p.Tyr3376Asp; replaces tyrosine 3376 with aspartic acid.
Molecular consequence: missense variant.
Genome position (GRCh38, 1-based): chr1:215,790,115, A>C on the plus strand (T>G on the coding strand, the complement: USH2A is on the minus strand). VCF-style: chr1-215790115-A-C. GRCh37 (hg19) VCF-style: chr1-215963457-A-C.
Other names: short protein forms Y3376D.
Identifiers: ClinVar variation 500881 (VCV000500881.14), dbSNP rs150617613, ClinGen allele CA1394134.
Genomic context (GRCh38, chr1:215,790,115, plus strand): 5'-TTACCTTCATCATCATTCCAGTTGAAATCTTGTCAGAGCAAACATATTTCAAAGGATTAT[A>C]TCCAACTCCATTACAGCATTTCTGGCTCTTTGGAATAAGTTCAGTCTCACAGCATTTTAC-3'
Protein context (NP_996816.3, residues 3366-3386): KSQKCCNGVG[Tyr3376Asp]NPLKYVCSDK

ClinVar aggregate classification (germline): Uncertain significance. Review status: criteria provided, multiple submitters, no conflicts (2 of 4 stars). 6 submissions from 5 submitters: Uncertain significance (5). 1 of the submissions does not count toward it. Last evaluated 2025-02-03.

Conditions:
Retinitis pigmentosa 39 (RP39). Identifiers: Orphanet 791, MedGen C3151138, MONDO:0013436, OMIM 613809.
Usher syndrome type 2A. Also called: USHER SYNDROME, TYPE IIA; RETINAL DISEASE IN USHER SYNDROME TYPE IIA, MODIFIER OF. Identifiers: Orphanet 231178, Orphanet 886, MedGen C1848634, MONDO:0010169, OMIM 276901.

Allele frequency attached by ClinVar (database versions not stated): gnomAD exomes 0.00001; ExAC 0.00002; gnomAD 0.00006; TOPMed 0.00008; ESP Exome Variant Server 0.00015.
gnomAD v4.1: 15 of 1,613,698 alleles (0.00093%); highest among the groups gnomAD compares: African/African-American, 0.02%; no homozygotes.

Submissions (6):

Labcorp Genetics (formerly Invitae), Labcorp
Classification: Uncertain significance. Last evaluated: 2025-02-03. Review status: criteria provided, single submitter. Criteria: Invitae Variant Classification Sherloc (09022015). Collection method: clinical testing. Allele origin: germline.
Comment: This sequence change replaces tyrosine, which is neutral and polar, with aspartic acid, which is acidic and polar, at codon 3376 of the USH2A protein (p.Tyr3376Asp). The frequency data for this variant in the population databases is considered unreliable, as metrics indicate poor data quality at this position in the gnomAD database. This variant has not been reported in the literature in individuals affected with USH2A-related conditions. ClinVar contains an entry for this variant (Variation ID: 500881). Invitae Evidence Modeling of protein sequence and biophysical properties (such as structural, functional, and spatial information, amino acid conservation, physicochemical variation, residue mobility, and thermodynamic stability) has been performed for this missense variant. However, the output from this modeling did not meet the statistical confidence thresholds required to predict the impact of this variant on USH2A protein function. In summary, the available evidence is currently insufficient to determine the role of this variant in disease. Therefore, it has been classified as a Variant of Uncertain Significance.

Blueprint Genetics
Classification: Uncertain significance. Last evaluated: 2023-11-27. Review status: criteria provided, single submitter. Criteria: ACMG Guidelines, 2015. Collection method: clinical testing. Allele origin: germline.

Genome-Nilou Lab
Classification: Uncertain significance for Retinitis pigmentosa 39. Last evaluated: 2023-11-04. Review status: criteria provided, single submitter. Criteria: ACMG Guidelines, 2015. Collection method: clinical testing. Allele origin: germline. Affected: no.

Genome-Nilou Lab
Classification: Uncertain significance for Usher syndrome type 2A. Last evaluated: 2023-11-04. Review status: criteria provided, single submitter. Criteria: ACMG Guidelines, 2015. Collection method: clinical testing. Allele origin: germline. Affected: no.

Eurofins Ntd Llc (ga)
Classification: Uncertain significance. Last evaluated: 2017-03-31. Review status: criteria provided, single submitter. Criteria: EGL Classification Definitions 2015. Collection method: clinical testing. Allele origin: germline. Observed: 2 variant alleles, 2 heterozygotes.

Natera, Inc.
Classification: Uncertain significance for Usher syndrome type 2A. Last evaluated: 2019-11-11. Review status: no assertion criteria provided. Collection method: clinical testing. Allele origin: germline. Not counted in ClinVar's aggregate classification.